The following is an entry in ClinVar:

ClinVar aggregate classification (germline): Uncertain significance (1 of 4 stars; one submission).

Submission:

GeneDx
Classification: Uncertain significance. Last evaluated: 2025-02-27. Review status: criteria provided, single submitter. Criteria: GeneDx Variant Classification Process June 2021. Collection method: clinical testing. Allele origin: germline. Affected: yes.
Comment: In silico analysis supports that this missense variant has a deleterious effect on protein structure/function; Not observed at significant frequency in large population cohorts (gnomAD); Has not been previously published as pathogenic or benign to our knowledge

NM_003718.5(CDK13):c.2528T>A (p.Ile843Asn)

Gene: CDK13 (cyclin dependent kinase 13; plus strand). Cytogenetic location: 7p14.1.
Variant type: single nucleotide variant.
Coding change: c.2528T>A on transcript NM_003718.5 (MANE Select); coding-DNA position 2528, T replaced by A.
Protein change: p.Ile843Asn; replaces isoleucine 843 with asparagine.
Molecular consequence: missense variant.
Genome position (GRCh38, 1-based): chr7:40,046,010, T>A. VCF-style: chr7-40046010-T-A. GRCh37 (hg19) VCF-style: chr7-40085609-T-A.
Other names: c.2528T>A, p.Ile843Asn (NM_031267.4); short protein forms I843N.
Identifiers: ClinVar variation 4077340 (VCV004077340.1).